The following is an entry in ClinVar:

NM_033380.3(COL4A5):c.781-8C>G

Gene: COL4A5 (collagen type IV alpha 5 chain; plus strand). Cytogenetic location: Xq22.3.
Variant type: single nucleotide variant.
Coding change: c.781-8C>G on transcript NM_033380.3 (MANE Select); 8 bases into the intron before coding-DNA position 781, C replaced by G.
Molecular consequence: intron variant.
Genome position (GRCh38, 1-based): chrX:108,580,525, C>G. VCF-style: chrX-108580525-C-G. GRCh37 (hg19) VCF-style: chrX-107823755-C-G.
Other names: c.781-8C>G (NM_000495.5).
Identifiers: ClinVar variation 2169654 (VCV002169654.4), dbSNP rs2524243656, ClinGen allele CA2580100188.

ClinVar aggregate classification (germline): Uncertain significance (1 of 4 stars; one submission).

Submission:

Labcorp Genetics (formerly Invitae), Labcorp
Classification: Uncertain significance. Last evaluated: 2022-07-16. Review status: criteria provided, single submitter. Criteria: Invitae Variant Classification Sherloc (09022015). Collection method: clinical testing. Allele origin: germline.
Comment: This sequence change falls in intron 13 of the COL4A5 gene. It does not directly change the encoded amino acid sequence of the COL4A5 protein. This variant is not present in population databases (gnomAD no frequency). This variant has been observed in individual(s) with Alport syndrome (PMID: 29270492; Invitae). Algorithms developed to predict the effect of sequence changes on RNA splicing suggest that this variant may disrupt the consensus splice site. In summary, the available evidence is currently insufficient to determine the role of this variant in disease. Therefore, it has been classified as a Variant of Uncertain Significance.

Literature cited by the submitters: PubMed 29270492.